The following is an entry in ClinVar:

ClinVar aggregate classification (germline): Uncertain significance (1 of 4 stars; one submission).

Conditions:
Neuropathy, hereditary sensory and autonomic, type 2A (HSAN2A). Also called: ACROOSTEOLYSIS, GIACCAI TYPE; ACROOSTEOLYSIS, NEUROGENIC; WNK1-Related HSAN2 (HSAN2A); MORVAN DISEASE; NEUROPATHY, CONGENITAL SENSORY; NEUROPATHY, HEREDITARY SENSORY RADICULAR, AUTOSOMAL RECESSIVE. Identifiers: Orphanet 970, MedGen C2752089, MONDO:0024309, OMIM 201300.
Generalized epilepsy with febrile seizures plus, type 7 (GEFSP7). Also called: GEFS+, TYPE 7. Identifiers: Orphanet 36387, MedGen C2751778, MONDO:0013470, OMIM 613863.

gnomAD v4.1: 5 of 1,613,010 alleles (0.00031%); highest among the groups gnomAD compares: African/African-American, 0.0013%; no homozygotes.

Submission:

Labcorp Genetics (formerly Invitae), Labcorp
Classification: Uncertain significance for Neuropathy, hereditary sensory and autonomic, type 2A; Generalized epilepsy with febrile seizures plus, type 7. Last evaluated: 2022-12-06. Review status: criteria provided, single submitter. Criteria: Invitae Variant Classification Sherloc (09022015). Collection method: clinical testing. Allele origin: germline.
Comment: This variant has not been reported in the literature in individuals affected with SCN9A-related conditions. Advanced modeling of protein sequence and biophysical properties (such as structural, functional, and spatial information, amino acid conservation, physicochemical variation, residue mobility, and thermodynamic stability) performed at Invitae indicates that this missense variant is not expected to disrupt SCN9A protein function. This variant is not present in population databases (gnomAD no frequency). This sequence change replaces serine, which is neutral and polar, with threonine, which is neutral and polar, at codon 660 of the SCN9A protein (p.Ser660Thr). In summary, the available evidence is currently insufficient to determine the role of this variant in disease. Therefore, it has been classified as a Variant of Uncertain Significance.

NM_001365536.1(SCN9A):c.2012G>C (p.Ser671Thr)

Genes: SCN1A-AS1 (SCN1A and SCN9A antisense RNA 1; plus strand), SCN9A (sodium voltage-gated channel alpha subunit 9; minus strand). Cytogenetic location: 2q24.3.
Variant type: single nucleotide variant.
Coding change: c.2012G>C on transcript NM_001365536.1 (MANE Select); coding-DNA position 2012, G replaced by C.
Protein change: p.Ser671Thr; replaces serine 671 with threonine.
Molecular consequence: missense variant.
Genome position (GRCh38, 1-based): chr2:166,281,771, C>G on the plus strand (G>C on the coding strand, the complement: SCN9A is on the minus strand). VCF-style: chr2-166281771-C-G. GRCh37 (hg19) VCF-style: chr2-167138281-C-G.
Other names: c.1979G>C, p.Ser660Thr (NM_002977.4); short protein forms S671T, S660T.
Identifiers: ClinVar variation 2932157 (VCV002932157.3), dbSNP rs770546932, ClinGen allele CA349081257.